The following is an entry in ClinVar:

NM_002225.5(IVD):c.853C>G (p.Leu285Val)

Gene: IVD (isovaleryl-CoA dehydrogenase; plus strand). Cytogenetic location: 15q15.1.
Variant type: single nucleotide variant.
Coding change: c.853C>G on transcript NM_002225.5 (MANE Select); coding-DNA position 853, C replaced by G.
Protein change: p.Leu285Val; replaces leucine 285 with valine.
Molecular consequence: missense variant. On other transcripts: non-coding transcript variant (1).
Genome position (GRCh38, 1-based): chr15:40,414,957, C>G. VCF-style: chr15-40414957-C-G. GRCh37 (hg19) VCF-style: chr15-40707156-C-G.
Other names: c.763C>G, p.Leu255Val (NM_001159508.3); c.805C>G, p.Leu269Val (NM_001354597.3); c.853C>G, p.Leu285Val (NM_001354598.3, NM_001354601.3); c.940C>G, p.Leu314Val (NM_001354599.3, NM_001354600.3); short protein forms L255V, L269V, L285V, L314V.
Identifiers: ClinVar variation 1721314 (VCV001721314.5), dbSNP rs1891485630, ClinGen allele CA391720862.

ClinVar aggregate classification (germline): Uncertain significance (1 of 4 stars; one submission).

Conditions:
Isovaleryl-CoA dehydrogenase deficiency (IVA). Also called: ISOVALERIC ACID CoA DEHYDROGENASE DEFICIENCY; Classic Isovaleric Acidemia; Isovaleric acidemia; IVD DEFICIENCY. Identifiers: Orphanet 33, MedGen C0268575, MONDO:0009475, OMIM 243500.

Submission:

Labcorp Genetics (formerly Invitae), Labcorp
Classification: Uncertain significance for Isovaleryl-CoA dehydrogenase deficiency. Last evaluated: 2023-10-31. Review status: criteria provided, single submitter. Criteria: Invitae Variant Classification Sherloc (09022015). Collection method: clinical testing. Allele origin: germline.
Comment: This sequence change replaces leucine, which is neutral and non-polar, with valine, which is neutral and non-polar, at codon 288 of the IVD protein (p.Leu288Val). This variant is not present in population databases (gnomAD no frequency). This missense change has been observed in individual(s) with isovaleric acidemia (Invitae). In at least one individual the data is consistent with being in trans (on the opposite chromosome) from a pathogenic variant. ClinVar contains an entry for this variant (Variation ID: 1721314). An algorithm developed to predict the effect of missense changes on protein structure and function (PolyPhen-2) suggests that this variant is likely to be disruptive. Algorithms developed to predict the effect of sequence changes on RNA splicing suggest that this variant may disrupt the consensus splice site. In summary, the available evidence is currently insufficient to determine the role of this variant in disease. Therefore, it has been classified as a Variant of Uncertain Significance.